The following is an entry in ClinVar:

NM_198721.4(COL25A1):c.367+82223_367+82225del

Gene: COL25A1 (collagen type XXV alpha 1 chain; minus strand). Cytogenetic location: 4q25.
Variant type: Deletion.
Coding change: c.367+82223_367+82225del on transcript NM_198721.4 (MANE Select); bases 82223 to 82225 of the intron after coding-DNA position 367, 3 bases deleted (AAA; older notation c.367+82223_367+82225delAAA).
Molecular consequence: intron variant.
Genome position (GRCh38, 1-based): chr4:109,218,358-109,218,360, TTT deleted on the plus strand (AAA on the coding strand, the reverse complement: COL25A1 is on the minus strand); deleting any 3 consecutive bases within chr4:109,218,358-109,218,382 gives the same sequence; the c. name uses the placement nearest the transcript's 3' end. VCF-style (leftmost placement, unchanged base first): chr4-109218357-GTTT-G. GRCh37 (hg19) VCF-style: chr4-110139513-GTTT-G.
Other names: c.367+82223_367+82225del (NM_032518.4, NM_001256074.3).
Identifiers: ClinVar variation 5041337 (VCV005041337.1).

ClinVar aggregate classification (germline): Benign (1 of 4 stars; one submission).

Submission:

CeGaT Center for Human Genetics Tuebingen
Classification: Benign. Last evaluated: 2026-09-01. Review status: criteria provided, single submitter. Criteria: CeGaT Center For Human Genetics Tuebingen Variant Classification Criteria Version 2. Collection method: clinical testing. Allele origin: germline. Affected: yes. Observed: 1 variant allele.
Comment: COL25A1: BS1, BS2